The following is an entry in ClinVar:

ClinVar aggregate classification (germline): Conflicting classifications of pathogenicity. Review status: criteria provided, conflicting classifications (1 of 4 stars). 2 submissions from 2 submitters: Pathogenic (1); Uncertain significance (1). Last evaluated 2023-02-28.

Conditions:
Primary ciliary dyskinesia 11. Also called: CILIARY DYSKINESIA, PRIMARY, 11, WITHOUT SITUS INVERSUS. Identifiers: Orphanet 244, MedGen C2675229, MONDO:0012978, OMIM 612649.
Primary ciliary dyskinesia. Also called: Ciliary dyskinesia. Identifiers: Orphanet 244, MedGen C0008780, MONDO:0016575, HP:0012265.

Allele frequency attached by ClinVar (database versions not stated): gnomAD exomes below 0.00001; ExAC 0.00001; gnomAD 0.00003.
gnomAD v4.1: 6 of 1,613,952 alleles (0.00037%); highest among the groups gnomAD compares: Admixed American, 0.0067%; no homozygotes.

Submissions (2):

Labcorp Genetics (formerly Invitae), Labcorp
Classification: Pathogenic for Primary ciliary dyskinesia. Last evaluated: 2023-02-28. Review status: criteria provided, single submitter. Criteria: Invitae Variant Classification Sherloc (09022015). Collection method: clinical testing. Allele origin: germline.
Comment: Advanced modeling of protein sequence and biophysical properties (such as structural, functional, and spatial information, amino acid conservation, physicochemical variation, residue mobility, and thermodynamic stability) has been performed at Invitae for this missense variant, however the output from this modeling did not meet the statistical confidence thresholds required to predict the impact of this variant on RSPH4A protein function. ClinVar contains an entry for this variant (Variation ID: 650407). This missense change has been observed in individual(s) with clinical features of primary ciliary dyskinesia (Invitae). In at least one individual the data is consistent with being in trans (on the opposite chromosome) from a pathogenic variant. This variant is present in population databases (rs747419302, gnomAD 0.0009%). This sequence change replaces valine, which is neutral and non-polar, with glycine, which is neutral and non-polar, at codon 368 of the RSPH4A protein (p.Val368Gly). For these reasons, this variant has been classified as Pathogenic.

CENTOGENE GmbH and LLC - Guiding Precision Medicine
Classification: Uncertain significance for Primary ciliary dyskinesia 11. Last evaluated: 2021-01-04. Review status: criteria provided, single submitter. Criteria: ACMG Guidelines, 2015. Collection method: clinical testing. Allele origin: germline. Affected: yes.

NM_001010892.3(RSPH4A):c.1103T>G (p.Val368Gly)

Gene: RSPH4A (radial spoke head component 4A; plus strand). Cytogenetic location: 6q22.1.
Variant type: single nucleotide variant.
Coding change: c.1103T>G on transcript NM_001010892.3 (MANE Select); coding-DNA position 1103, T replaced by G.
Protein change: p.Val368Gly; replaces valine 368 with glycine.
Molecular consequence: missense variant.
Genome position (GRCh38, 1-based): chr6:116,627,810, T>G. VCF-style: chr6-116627810-T-G. GRCh37 (hg19) VCF-style: chr6-116948973-T-G.
Other names: c.1103T>G, p.Val368Gly (NM_001161664.2); short protein forms V368G.
Identifiers: ClinVar variation 650407 (VCV000650407.10), dbSNP rs747419302, ClinGen allele CA3970899.